The following is an entry in ClinVar:

NM_001101.5(ACTB):c.1020G>C (p.Trp340Cys)

Gene: ACTB (actin beta; minus strand). Cytogenetic location: 7p22.1.
Variant type: single nucleotide variant.
Coding change: c.1020G>C on transcript NM_001101.5 (MANE Select); coding-DNA position 1020, G replaced by C.
Protein change: p.Trp340Cys; replaces tryptophan 340 with cysteine.
Molecular consequence: missense variant.
Genome position (GRCh38, 1-based): chr7:5,527,856, C>G on the plus strand (G>C on the coding strand, the complement: ACTB is on the minus strand). VCF-style: chr7-5527856-C-G. GRCh37 (hg19) VCF-style: chr7-5567487-C-G.
Other names: c.1020G>C (LRG_132t1); short protein forms W340C.
Identifiers: ClinVar variation 372965 (VCV000372965.1), dbSNP rs886041790, ClinGen allele CA16042680.
Genomic context (GRCh38, chr7:5,527,856, plus strand): 5'-CTGCTTGCTGATCCACATCTGCTGGAAGGTGGACAGCGAGGCCAGGATGGAGCCGCCGAT[C>G]CACACGGAGTACTTGCGCTCAGGAGGAGCAATGATCTGAGGAGGGAAGGGGACAGGCAGT-3'
Protein context (NP_001092.1, residues 330-350): IAPPERKYSV[Trp340Cys]IGGSILASLS

ClinVar aggregate classification (germline): Likely pathogenic (1 of 4 stars; one submission).

Submission:

GeneDx
Classification: Likely pathogenic. Last evaluated: 2016-06-16. Review status: criteria provided, single submitter. Criteria: GeneDx Variant Classification (06012015). Collection method: clinical testing. Allele origin: germline. Affected: yes.
Comment: The W340C variant in the ACTB gene has not been reported previously as a pathogenic variant, nor as a benign variant, to our knowledge. The W340C variant was not observed in approximately 6500 individuals of European and African American ancestry in the NHLBI Exome Sequencing Project, indicating it is not a common benign variant in these populations. The W340C variant is a non-conservative amino acid substitution, which is likely to impact secondary protein structure as these residues differ in polarity, charge, size and/or other properties. This substitution occurs at a position that is conserved across species. In silico analysis is inconsistent in its predictions as to whether or not the variant is damaging to the protein structure/function. Therefore, the W340C variant is a strong candidate for a pathogenic variant